The following is an entry in ClinVar:

NM_001909.5(CTSD):c.122G>A (p.Gly41Asp)

Genes: CTSD (cathepsin D; minus strand), PRADX (PRC2 and DDX5 associated lncRNA; plus strand). Cytogenetic location: 11p15.5.
Variant type: single nucleotide variant.
Coding change: c.122G>A on transcript NM_001909.5 (MANE Select); coding-DNA position 122, G replaced by A.
Protein change: p.Gly41Asp; replaces glycine 41 with aspartic acid.
Molecular consequence: missense variant. On other transcripts: non-coding transcript variant (1).
Genome position (GRCh38, 1-based): chr11:1,761,415, C>T on the plus strand (G>A on the coding strand, the complement: CTSD is on the minus strand). VCF-style: chr11-1761415-C-T. GRCh37 (hg19) VCF-style: chr11-1782645-C-T.
Other names: short protein forms G41D.
Identifiers: ClinVar variation 4722912 (VCV004722912.1).

ClinVar aggregate classification (germline): Uncertain significance (1 of 4 stars; one submission).

Conditions:
Neuronal ceroid lipofuscinosis. Also called: Neuronal Ceroid Lipofuscinoses. Identifiers: Orphanet 216, Orphanet 79263, MedGen C0027877, MONDO:0016295. Disease mechanism: loss of function.

Submission:

Labcorp Genetics (formerly Invitae), Labcorp
Classification: Uncertain significance for Neuronal ceroid lipofuscinosis. Last evaluated: 2025-09-04. Review status: criteria provided, single submitter. Criteria: Invitae Variant Classification Sherloc (09022015). Collection method: clinical testing. Allele origin: germline.
Comment: This sequence change replaces glycine, which is neutral and non-polar, with aspartic acid, which is acidic and polar, at codon 41 of the CTSD protein (p.Gly41Asp). This variant is not present in population databases (gnomAD no frequency). This variant has not been reported in the literature in individuals affected with CTSD-related conditions. An algorithm developed to predict the effect of missense changes on protein structure and function (PolyPhen-2) suggests that this variant is likely to be disruptive. In summary, the available evidence is currently insufficient to determine the role of this variant in disease. Therefore, it has been classified as a Variant of Uncertain Significance.